The following is an entry in ClinVar:

NM_014975.3(MAST1):c.2807C>T (p.Pro936Leu)

Gene: MAST1 (microtubule associated serine/threonine kinase 1; plus strand). Cytogenetic location: 19p13.13.
Variant type: single nucleotide variant.
Coding change: c.2807C>T on transcript NM_014975.3 (MANE Select); coding-DNA position 2807, C replaced by T.
Protein change: p.Pro936Leu; replaces proline 936 with leucine.
Molecular consequence: missense variant.
Genome position (GRCh38, 1-based): chr19:12,869,099, C>T. VCF-style: chr19-12869099-C-T. GRCh37 (hg19) VCF-style: chr19-12979913-C-T.
Other names: short protein forms P936L.
Identifiers: ClinVar variation 4721621 (VCV004721621.1).

ClinVar aggregate classification (germline): Uncertain significance (1 of 4 stars; one submission).

Submission:

Labcorp Genetics (formerly Invitae), Labcorp
Classification: Uncertain significance. Last evaluated: 2025-06-17. Review status: criteria provided, single submitter. Criteria: Invitae Variant Classification Sherloc (09022015). Collection method: clinical testing. Allele origin: germline.
Comment: This sequence change replaces proline, which is neutral and non-polar, with leucine, which is neutral and non-polar, at codon 936 of the MAST1 protein (p.Pro936Leu). This variant is not present in population databases (gnomAD no frequency). This variant has not been reported in the literature in individuals affected with MAST1-related conditions. An algorithm developed to predict the effect of missense changes on protein structure and function (PolyPhen-2) suggests that this variant is likely to be disruptive. In summary, the available evidence is currently insufficient to determine the role of this variant in disease. Therefore, it has been classified as a Variant of Uncertain Significance.